The following is an entry in ClinVar:

NM_016169.4(SUFU):c.58C>T (p.Pro20Ser)

Genes: SUFU (SUFU negative regulator of hedgehog signaling; plus strand), LOC130004614 (ATAC-STARR-seq lymphoblastoid silent region 2764; plus strand). Cytogenetic location: 10q24.32.
Variant type: single nucleotide variant.
Coding change: c.58C>T on transcript NM_016169.4 (MANE Select); coding-DNA position 58, C replaced by T.
Protein change: p.Pro20Ser; replaces proline 20 with serine.
Molecular consequence: missense variant.
Genome position (GRCh38, 1-based): chr10:102,504,210, C>T. VCF-style: chr10-102504210-C-T. GRCh37 (hg19) VCF-style: chr10-104263967-C-T.
Other names: c.58C>T, p.Pro20Ser (NM_001178133.2); short protein forms P20S.
Identifiers: ClinVar variation 5030424 (VCV005030424.1).

ClinVar aggregate classification (germline): Uncertain significance (1 of 4 stars; one submission).

Conditions:
Hereditary cancer-predisposing syndrome. Also called: Neoplastic Syndromes, Hereditary; Tumor predisposition; Hereditary neoplastic syndrome; Hereditary Cancer Syndrome. Identifiers: Orphanet 140162, MedGen C0027672, MeSH D009386, MONDO:0015356.

gnomAD v4.1: 1 of 1,603,766 alleles (0.000062%); highest among the groups gnomAD compares: Admixed American, 0.0017%; no homozygotes.

Submission:

Ambry Genetics
Classification: Uncertain significance for Hereditary cancer-predisposing syndrome. Last evaluated: 2026-07-07. Review status: criteria provided, single submitter. Criteria: Ambry Variant Classification Scheme 2023. Collection method: clinical testing. Allele origin: germline.
Comment: The p.P20S variant (also known as c.58C>T), located in coding exon 1 of the SUFU gene, results from a C to T substitution at nucleotide position 58. The proline at codon 20 is replaced by serine, an amino acid with similar properties. This amino acid position is conserved. In addition, this alteration is predicted to be tolerated by in silico analysis. Based on the available evidence, the clinical significance of this variant remains unclear.